The following is an entry in ClinVar:

NM_000038.6(APC):c.5300G>C (p.Gly1767Ala)

Gene: APC (APC regulator of Wnt signaling pathway; plus strand). Cytogenetic location: 5q22.2.
Variant type: single nucleotide variant.
Coding change: c.5300G>C on transcript NM_000038.6 (MANE Select); coding-DNA position 5300, G replaced by C.
Protein change: p.Gly1767Ala; replaces glycine 1767 with alanine.
Molecular consequence: missense variant.
Genome position (GRCh38, 1-based): chr5:112,840,894, G>C. VCF-style: chr5-112840894-G-C. GRCh37 (hg19) VCF-style: chr5-112176591-G-C.
Other names: c.5300G>C, p.Gly1767Ala (NM_001127510.3, NM_001354895.2); c.5246G>C, p.Gly1749Ala (NM_001127511.3); c.5354G>C, p.Gly1785Ala (NM_001354896.2); c.5330G>C, p.Gly1777Ala (NM_001354897.2); c.5225G>C, p.Gly1742Ala (NM_001354898.2); c.5216G>C, p.Gly1739Ala (NM_001354899.2); c.5177G>C, p.Gly1726Ala (NM_001354900.2); c.5123G>C, p.Gly1708Ala (NM_001354901.2); and 5 more; short protein forms G1708A, G1767A, G1607A, G1641A, G1666A, G1676A, G1726A, G1739A.
Identifiers: ClinVar variation 936379 (VCV000936379.14), dbSNP rs1064796537, ClinGen allele CA16032919.

ClinVar aggregate classification (germline): Uncertain significance. Review status: criteria provided, multiple submitters, no conflicts (2 of 4 stars). 2 submissions from 2 submitters: Uncertain significance (2). Last evaluated 2025-05-14.

Conditions:
Hereditary cancer-predisposing syndrome. Also called: Tumor predisposition; Hereditary neoplastic syndrome; Hereditary Cancer Syndrome; Neoplastic Syndromes, Hereditary. Identifiers: Orphanet 140162, MedGen C0027672, MeSH D009386, MONDO:0015356.
Familial adenomatous polyposis 1 (FAP1). Also called: POLYPOSIS, ADENOMATOUS INTESTINAL; FAMILIAL ADENOMATOUS POLYPOSIS 1, ATTENUATED. Identifiers: MedGen C2713442, MONDO:0021056, OMIM 175100. Disease mechanism: loss of function.

Submissions (2):

Labcorp Genetics (formerly Invitae), Labcorp
Classification: Uncertain significance for Familial adenomatous polyposis 1. Last evaluated: 2025-05-14. Review status: criteria provided, single submitter. Criteria: Invitae Variant Classification Sherloc (09022015). Collection method: clinical testing. Allele origin: germline.
Comment: This sequence change replaces glycine, which is neutral and non-polar, with alanine, which is neutral and non-polar, at codon 1767 of the APC protein (p.Gly1767Ala). This variant is not present in population databases (gnomAD no frequency). This variant has not been reported in the literature in individuals affected with APC-related conditions. ClinVar contains an entry for this variant (Variation ID: 936379). Invitae Evidence Modeling of protein sequence and biophysical properties (such as structural, functional, and spatial information, amino acid conservation, physicochemical variation, residue mobility, and thermodynamic stability) indicates that this missense variant is not expected to disrupt APC protein function with a negative predictive value of 95%. In summary, the available evidence is currently insufficient to determine the role of this variant in disease. Therefore, it has been classified as a Variant of Uncertain Significance.

Ambry Genetics
Classification: Uncertain significance for Hereditary cancer-predisposing syndrome. Last evaluated: 2025-01-09. Review status: criteria provided, single submitter. Criteria: Ambry Variant Classification Scheme 2023. Collection method: clinical testing. Allele origin: germline.
Comment: The p.G1767A variant (also known as c.5300G>C), located in coding exon 15 of the APC gene, results from a G to C substitution at nucleotide position 5300. The glycine at codon 1767 is replaced by alanine, an amino acid with similar properties. This amino acid position is not well conserved in available vertebrate species. In addition, in silico predictors for this gene do not accurately predict pathogenicity. Missense alterations in APC are not a common cause of disease (Spier I et al. Genet Med. 2024 Feb;26(2):100992). Based on the available evidence, the clinical significance of this variant remains unclear.